The following is an entry in ClinVar:

ClinVar aggregate classification (germline): Uncertain significance. Review status: criteria provided, multiple submitters, no conflicts (2 of 4 stars). 2 submissions from 2 submitters: Uncertain significance (2). Last evaluated 2023-11-07.

Allele frequency attached by ClinVar (database versions not stated): gnomAD 0.00001.
gnomAD v4.1: 47 of 1,614,028 alleles (0.0029%); highest among the groups gnomAD compares: Non-Finnish European, 0.0039%; no homozygotes.

Submissions (2):

Blueprint Genetics
Classification: Uncertain significance. Last evaluated: 2023-11-07. Review status: criteria provided, single submitter. Criteria: ACMG Guidelines, 2015. Collection method: clinical testing. Allele origin: germline.

Labcorp Genetics (formerly Invitae), Labcorp
Classification: Uncertain significance. Last evaluated: 2022-03-12. Review status: criteria provided, single submitter. Criteria: Invitae Variant Classification Sherloc (09022015). Collection method: clinical testing. Allele origin: germline.
Comment: This sequence change replaces alanine, which is neutral and non-polar, with threonine, which is neutral and polar, at codon 3190 of the DNAH9 protein (p.Ala3190Thr). In summary, the available evidence is currently insufficient to determine the role of this variant in disease. Therefore, it has been classified as a Variant of Uncertain Significance. Algorithms developed to predict the effect of missense changes on protein structure and function are either unavailable or do not agree on the potential impact of this missense change (SIFT: "Deleterious"; PolyPhen-2: "Possibly Damaging"; Align-GVGD: "Class C0"). This variant has not been reported in the literature in individuals affected with DNAH9-related conditions. This variant is present in population databases (no rsID available, gnomAD 0.0009%).

NM_001372.4(DNAH9):c.9568G>A (p.Ala3190Thr)

Gene: DNAH9 (dynein axonemal heavy chain 9; plus strand). Cytogenetic location: 17p12.
Variant type: single nucleotide variant.
Coding change: c.9568G>A on transcript NM_001372.4 (MANE Select); coding-DNA position 9568, G replaced by A.
Protein change: p.Ala3190Thr; replaces alanine 3190 with threonine.
Molecular consequence: missense variant.
Genome position (GRCh38, 1-based): chr17:11,854,063, G>A. VCF-style: chr17-11854063-G-A. GRCh37 (hg19) VCF-style: chr17-11757380-G-A.
Other names: short protein forms A3190T.
Identifiers: ClinVar variation 1932229 (VCV001932229.6), dbSNP rs893295666, ClinGen allele CA398191699.